The following is an entry in ClinVar:

ClinVar aggregate classification (germline): Pathogenic/Likely pathogenic. Review status: criteria provided, multiple submitters, no conflicts (2 of 4 stars). 3 submissions from 3 submitters: Pathogenic (2); Likely pathogenic (1). Last evaluated 2025-09-17.

Conditions:
Alport syndrome. Also called: Hemorrhagic familial nephritis; Hemorrhagic hereditary nephritis; Congenital hereditary hematuria. Identifiers: Orphanet 63, MedGen C1567741, MONDO:0018965.
Autosomal dominant Alport syndrome (ATS3A). Also called: Alport syndrome dominant type; Renal failure and sensorineural hearing loss; ALPORT SYNDROME 3A, AUTOSOMAL DOMINANT. Identifiers: Orphanet 63, Orphanet 88918, MedGen C5882663, MONDO:0007086, OMIM 104200.

Submissions (3):

Labcorp Genetics (formerly Invitae), Labcorp
Classification: Pathogenic. Last evaluated: 2025-09-17. Review status: criteria provided, single submitter. Criteria: Invitae Variant Classification Sherloc (09022015). Collection method: clinical testing. Allele origin: germline.
Comment: This sequence change affects codon 1251 of the COL4A3 mRNA. It is a 'silent' change, meaning that it does not change the encoded amino acid sequence of the COL4A3 protein. This variant also falls at the last nucleotide of exon 42, which is part of the consensus splice site for this exon. This variant is not present in population databases (gnomAD no frequency). This variant has been observed in individual(s) with autosomal dominant Alport syndrome (PMID: 28632965). It has also been observed to segregate with disease in related individuals. ClinVar contains an entry for this variant (Variation ID: 1447959). Experimental studies and prediction algorithms are not available or were not evaluated, and the functional significance of this variant is currently unknown. Variants that disrupt the consensus splice site are a relatively common cause of aberrant splicing (PMID: 17576681, 9536098). Algorithms developed to predict the effect of sequence changes on RNA splicing suggest that this variant may disrupt the consensus splice site. For these reasons, this variant has been classified as Pathogenic.

Natera, Inc.
Classification: Pathogenic for Alport syndrome. Last evaluated: 2025-09-05. Review status: criteria provided, single submitter. Criteria: Natera Variant Classification Schema (03/2026). Collection method: clinical testing. Allele origin: germline.
Comment: The c.3751G>A variant in COL4A3 is a missense variant predicted to cause substitution of glycine to serine at amino acid 1251. This variant is rare in the general population with a frequency below the threshold expected for the associated phenotype(s). This variant has been observed in one or more individuals affected with the associated recessive disease, as either homozygous or compound heterozygous with a second variant (PMID: 38972501). Additionally, this variant has been observed to segregate in affected family members (PMID: 28632965). This variant is located in a functionally critical region of the protein. Computational prediction algorithms indicate this variant is likely to affect gene or protein function. Given the available evidence, this variant is classified as Pathogenic.

Clinical Genetics Service, Universitary Hospital 12 de Octubre
Classification: Likely pathogenic for Autosomal dominant Alport syndrome. Review status: criteria provided, single submitter. Criteria: ACMG Guidelines, 2015. Collection method: clinical testing. Allele origin: germline. Affected: yes.

Literature cited by the submitters: PubMed 28632965 (cited by Labcorp Genetics (formerly Invitae), Labcorp and Natera, Inc.); PubMed 17576681 (cited by Labcorp Genetics (formerly Invitae), Labcorp); PubMed 9536098 (cited by Labcorp Genetics (formerly Invitae), Labcorp); PubMed 38972501 (cited by Natera, Inc.).

NM_000091.5(COL4A3):c.3751G>A (p.Gly1251Ser)

Genes: COL4A3 (collagen type IV alpha 3 chain; plus strand), MFF-DT (MFF divergent transcript; minus strand). Cytogenetic location: 2q36.3.
Variant type: single nucleotide variant.
Coding change: c.3751G>A on transcript NM_000091.5 (MANE Select); coding-DNA position 3751, G replaced by A.
Protein change: p.Gly1251Ser; replaces glycine 1251 with serine.
Molecular consequence: missense variant.
Genome position (GRCh38, 1-based): chr2:227,297,859, G>A. VCF-style: chr2-227297859-G-A. GRCh37 (hg19) VCF-style: chr2-228162575-G-A.
Other names: c.3751G>A (NM_000091.4); short protein forms G1251S.
Identifiers: ClinVar variation 1447959 (VCV001447959.8), dbSNP rs2106247623, ClinGen allele CA350860578.